The following is an entry in ClinVar:

NM_002691.4(POLD1):c.2731del (p.Asp911fs)

Gene: POLD1 (DNA polymerase delta 1, catalytic subunit; plus strand). Cytogenetic location: 19q13.33.
Variant type: Deletion.
Coding change: c.2731del on transcript NM_002691.4 (MANE Select); coding-DNA position 2731, one base deleted (G; older notation c.2731delG).
Protein change: p.Asp911fs; shifts the reading frame from aspartic acid 911.
Molecular consequence: frameshift variant.
Genome position (GRCh38, 1-based): chr19:50,415,737, G deleted; the last of 3 consecutive G bases (chr19:50,415,735-50,415,737); deleting any one gives the same sequence. VCF-style (leftmost placement, unchanged base first): chr19-50415734-CG-C. GRCh37 (hg19) VCF-style: chr19-50918991-CG-C.
Other names: c.2731del, p.Asp911fs (NM_001256849.1); c.2809del, p.Asp937fs (NM_001308632.1); short protein forms D911fs, D937fs.
Identifiers: ClinVar variation 3633156 (VCV003633156.2).

ClinVar aggregate classification (germline): Uncertain significance (1 of 4 stars; one submission).

Conditions:
POLD1-related polyposis and colorectal cancer syndrome (CRCS10). Also called: Colorectal cancer 10; COLORECTAL CANCER, SUSCEPTIBILITY TO, ON CHROMOSOME 19q; Colorectal cancer, susceptibility to, 10. Identifiers: Orphanet 220460, MedGen C2675481, MONDO:0012953, OMIM 612591.

Submission:

Labcorp Genetics (formerly Invitae), Labcorp
Classification: Uncertain significance for POLD1-related polyposis and colorectal cancer syndrome. Last evaluated: 2024-01-24. Review status: criteria provided, single submitter. Criteria: Invitae Variant Classification Sherloc (09022015). Collection method: clinical testing. Allele origin: germline.
Comment: This sequence change creates a premature translational stop signal (p.Asp911Thrfs*15) in the POLD1 gene. It is expected to result in an absent or disrupted protein product. However, the current clinical and genetic evidence is not sufficient to establish whether loss-of-function variants in POLD1 cause disease. This variant is not present in population databases (gnomAD no frequency). This variant has not been reported in the literature in individuals affected with POLD1-related conditions. In summary, the available evidence is currently insufficient to determine the role of this variant in disease. Therefore, it has been classified as a Variant of Uncertain Significance.